The following is an entry in ClinVar:

Conditions:
Breast-ovarian cancer, familial, susceptibility to, 1 (BROVCA1). Also called: BRCA1 Hereditary Breast and Ovarian Cancer; OVARIAN CANCER, SUSCEPTIBILITY TO. Identifiers: Orphanet 145, MedGen C2676676, MONDO:0011450, OMIM 604370. Disease mechanism: loss of function.

Submission:

Brotman Baty Institute, University of Washington
No classification provided (evidence only). Condition: Breast-ovarian cancer, familial 1. Review status: no classification provided. Collection method: in vitro. Allele origin: not applicable. Functional consequence: function_uncertain_variant.
ClinVar note: "not provided" was previously submitted as the classification for the variant. However, the classification appeared to be based only on an observation of functional data so it was converted to no classification on 2025-07-30.

NM_007294.4(BRCA1):c.5046A>T (p.Glu1682Asp)

Gene: BRCA1 (BRCA1 DNA repair associated; minus strand). Cytogenetic location: 17q21.31.
Variant type: single nucleotide variant.
Coding change: c.5046A>T on transcript NM_007294.4 (MANE Select); coding-DNA position 5046, A replaced by T.
Protein change: p.Glu1682Asp; replaces glutamic acid 1682 with aspartic acid.
Molecular consequence: missense variant. On other transcripts: non-coding transcript variant (1).
Genome position (GRCh38, 1-based): chr17:43,067,636, T>A on the plus strand (A>T on the coding strand, the complement: BRCA1 is on the minus strand). VCF-style: chr17-43067636-T-A. GRCh37 (hg19) VCF-style: chr17-41219653-T-A.
Other names: c.4833A>T, p.Glu1611Asp (NM_001407571.1, NM_001407895.1, NM_001407896.1 and 12 more transcripts); c.5112A>T, p.Glu1704Asp (NM_001407581.1, NM_001407582.1); c.5109A>T, p.Glu1703Asp (NM_001407583.1, NM_001407585.1, NM_001407587.1 and 1 more transcripts); c.5106A>T, p.Glu1702Asp (NM_001407590.1, NM_001407591.1); c.5046A>T, p.Glu1682Asp (NM_001407593.1, NM_001407594.1, NM_001407596.1 and 8 more transcripts); c.5043A>T, p.Glu1681Asp (NM_001407610.1, NM_001407611.1, NM_001407612.1 and 17 more transcripts); c.5040A>T, p.Glu1680Asp (NM_001407627.1, NM_001407628.1, NM_001407629.1 and 14 more transcripts); c.5037A>T, p.Glu1679Asp (NM_001407644.1, NM_001407645.1); and 70 more; short protein forms E578D, E1635D, E1703D, E1682D, E1513D, E1592D, E1593D, E1612D.
Identifiers: ClinVar variation 867572 (VCV000867572.3), dbSNP rs2052167113, ClinGen allele CA10591426.
Genomic context (GRCh38, chr17:43,067,636, plus strand): 5'-TGCAAGGTATTCTGTAAAGGTTCTTGGTATACCTGTTTTCATAACAACATGAGTAGTCTC[T>A]TCAGTAATTAGATTAGTTAAAGTGATGTGGTGTTTTCTGGCAAACTTGTACACGAGCATC-3'
Protein context (NP_009225.1, residues 1672-1692): HHITLTNLIT[Glu1682Asp]ETTHVVMKTD